The following is an entry in ClinVar:

ClinVar aggregate classification (germline): Uncertain significance (1 of 4 stars; one submission).

Allele frequency attached by ClinVar (database versions not stated): gnomAD exomes below 0.00001.
gnomAD v4.1: 2 of 1,598,358 alleles (0.00013%); highest among the groups gnomAD compares: Non-Finnish European, 0.000086%; no homozygotes.

Submission:

Labcorp Genetics (formerly Invitae), Labcorp
Classification: Uncertain significance. Last evaluated: 2024-12-09. Review status: criteria provided, single submitter. Criteria: Invitae Variant Classification Sherloc (09022015). Collection method: clinical testing. Allele origin: germline.
Comment: This sequence change replaces asparagine, which is neutral and polar, with serine, which is neutral and polar, at codon 372 of the SLC13A3 protein (p.Asn372Ser). This variant is not present in population databases (gnomAD no frequency). This variant has not been reported in the literature in individuals affected with SLC13A3-related conditions. ClinVar contains an entry for this variant (Variation ID: 1422982). An algorithm developed to predict the effect of missense changes on protein structure and function outputs the following: PolyPhen-2: "Benign". The serine amino acid residue is found in multiple mammalian species, which suggests that this missense change does not adversely affect protein function. In summary, the available evidence is currently insufficient to determine the role of this variant in disease. Therefore, it has been classified as a Variant of Uncertain Significance.

NM_022829.6(SLC13A3):c.1115A>G (p.Asn372Ser)

Gene: SLC13A3 (solute carrier family 13 member 3; minus strand). Cytogenetic location: 20q13.12.
Variant type: single nucleotide variant.
Coding change: c.1115A>G on transcript NM_022829.6 (MANE Select); coding-DNA position 1115, A replaced by G.
Protein change: p.Asn372Ser; replaces asparagine 372 with serine.
Molecular consequence: missense variant. On other transcripts: intron variant (1).
Genome position (GRCh38, 1-based): chr20:46,588,065, T>C on the plus strand (A>G on the coding strand, the complement: SLC13A3 is on the minus strand). VCF-style: chr20-46588065-T-C. GRCh37 (hg19) VCF-style: chr20-45216704-T-C.
Other names: c.974A>G, p.Asn325Ser (NM_001011554.3); c.965A>G, p.Asn322Ser (NM_001193339.2); c.821A>G, p.Asn274Ser (NM_001193342.2); c.875+1095A>G (NM_001193340.2); short protein forms N325S, N372S, N274S, N322S.
Identifiers: ClinVar variation 1422982 (VCV001422982.8), dbSNP rs1287807284, ClinGen allele CA409263584.
Genomic context (GRCh38, chr20:46,588,065, plus strand): 5'-CCAGCCCAGAATCCTCCCTGTTGGACTCCTCCCTGTGGGTCCCCAGAGTCTCACCCAGGA[T>C]TGAAGAGGCTGGCCCAGCCAGGGATGAACTTCGGGTCCCGGGTGAAGAGGAGGATGGCAA-3'
Protein context (NP_073740.2, residues 362-382): KFIPGWASLF[Asn372Ser]PGFLSDAVTG